The following is an entry in ClinVar:

NM_006118.4(HAX1):c.557-9C>A

Gene: HAX1 (HCLS1 associated protein X-1; plus strand). Cytogenetic location: 1q21.3.
Variant type: single nucleotide variant.
Coding change: c.557-9C>A on transcript NM_006118.4 (MANE Select); 9 bases into the intron before coding-DNA position 557, C replaced by A.
Molecular consequence: intron variant.
Genome position (GRCh38, 1-based): chr1:154,275,145, C>A. VCF-style: chr1-154275145-C-A. GRCh37 (hg19) VCF-style: chr1-154247621-C-A.
Other names: c.413-9C>A (NM_001018837.2); c.557-9C>A (NM_006118.3).
Identifiers: ClinVar variation 1116848 (VCV001116848.11), dbSNP rs1684904587, ClinGen allele CA342593494.
Genomic context (GRCh38, chr1:154,275,145, plus strand): 5'-CTGTACACTTGTCTCCTTTTTTCCTTTGGACTCTTTCTCTCCTGCTTCTTCATCTCTCTG[C>A]TCTTCCAGATCTTGATTCCCAGGTTTCCCAGGAGGGTCTTGGCCCGGTTCTACAGCCCCA-3'

ClinVar aggregate classification (germline): Likely benign. Review status: criteria provided, single submitter (1 of 4 stars). 2 submissions from 2 submitters: Likely benign (1). 1 of the submissions does not count toward it. Last evaluated 2024-03-06.

Conditions:
HAX1-related disorder. Also called: HAX1-related condition.
Kostmann syndrome (SCN3). Also called: Autosomal recessive severe congenital neutropenia type 3; KOSTMANN DISEASE. Identifiers: Orphanet 99749, MedGen C5235141, MONDO:0012548, OMIM 610738.

Allele frequency attached by ClinVar (database versions not stated): gnomAD exomes below 0.00001.
gnomAD v4.1: 1 of 1,577,522 alleles (0.000063%); highest among the groups gnomAD compares: Non-Finnish European, 0.000087%; no homozygotes.

Submissions (2):

Labcorp Genetics (formerly Invitae), Labcorp
Classification: Likely benign for Kostmann syndrome. Last evaluated: 2024-03-06. Review status: criteria provided, single submitter. Criteria: Invitae Variant Classification Sherloc (09022015). Collection method: clinical testing. Allele origin: germline.

PreventionGenetics, part of Exact Sciences
Classification: Likely benign for HAX1-related condition. Last evaluated: 2020-05-18. Review status: no assertion criteria provided. Collection method: clinical testing. Allele origin: germline. Not counted in ClinVar's aggregate classification.
Comment: This variant is classified as likely benign based on ACMG/AMP sequence variant interpretation guidelines (Richards et al. 2015 PMID: 25741868, with internal and published modifications).